The following is an entry in ClinVar:

NM_001270508.2(TNFAIP3):c.313A>T (p.Met105Leu)

Gene: TNFAIP3 (TNF alpha induced protein 3; plus strand). Cytogenetic location: 6q23.3.
Variant type: single nucleotide variant.
Coding change: c.313A>T on transcript NM_001270508.2 (MANE Select); coding-DNA position 313, A replaced by T.
Protein change: p.Met105Leu; replaces methionine 105 with leucine.
Molecular consequence: missense variant.
Genome position (GRCh38, 1-based): chr6:137,874,862, A>T. VCF-style: chr6-137874862-A-T. GRCh37 (hg19) VCF-style: chr6-138195999-A-T.
Other names: c.313A>T, p.Met105Leu (NM_001270507.2, NM_006290.4); short protein forms M105L.
Identifiers: ClinVar variation 1359279 (VCV001359279.8), dbSNP rs766242605, ClinGen allele CA365781272.

ClinVar aggregate classification (germline): Uncertain significance (1 of 4 stars; one submission).

Allele frequency attached by ClinVar (database versions not stated): gnomAD exomes below 0.00001.

Submission:

Labcorp Genetics (formerly Invitae), Labcorp
Classification: Uncertain significance. Last evaluated: 2020-12-23. Review status: criteria provided, single submitter. Criteria: Invitae Variant Classification Sherloc (09022015). Collection method: clinical testing. Allele origin: germline.
Comment: In summary, the available evidence is currently insufficient to determine the role of this variant in disease. Therefore, it has been classified as a Variant of Uncertain Significance. Algorithms developed to predict the effect of missense changes on protein structure and function (SIFT, PolyPhen-2, Align-GVGD) all suggest that this variant is likely to be tolerated, but these predictions have not been confirmed by published functional studies and their clinical significance is uncertain. This variant has not been reported in the literature in individuals with TNFAIP3-related conditions. This variant is not present in population databases (ExAC no frequency). This sequence change replaces methionine with leucine at codon 105 of the TNFAIP3 protein (p.Met105Leu). The methionine residue is highly conserved and there is a small physicochemical difference between methionine and leucine.